The following is an entry in ClinVar:

NM_000685.5(AGTR1):c.697C>A (p.Pro233Thr)

Gene: AGTR1 (angiotensin II receptor type 1; plus strand). Cytogenetic location: 3q24.
Variant type: single nucleotide variant.
Coding change: c.697C>A on transcript NM_000685.5 (MANE Select); coding-DNA position 697, C replaced by A.
Protein change: p.Pro233Thr; replaces proline 233 with threonine.
Molecular consequence: missense variant.
Genome position (GRCh38, 1-based): chr3:148,741,732, C>A. VCF-style: chr3-148741732-C-A. GRCh37 (hg19) VCF-style: chr3-148459519-C-A.
Other names: c.697C>A, p.Pro233Thr (NM_001382736.1, NM_001382737.1, NM_004835.5 and 3 more transcripts); short protein forms P233T, P268T.
Identifiers: ClinVar variation 900270 (VCV000900270.6), dbSNP rs151206107, ClinGen allele CA2657366.

ClinVar aggregate classification (germline): Uncertain significance. Review status: criteria provided, multiple submitters, no conflicts (2 of 4 stars). 3 submissions from 3 submitters: Uncertain significance (2). 1 of the submissions does not count toward it. Last evaluated 2021-12-10.

Conditions:
Essential hypertension, genetic (EHT). Identifiers: MedGen CN305331, MONDO:0007781, OMIM 145500.
Renal tubular dysgenesis of genetic origin. Also called: PRIMITIVE RENAL TUBULE SYNDROME. Identifiers: Orphanet 97369, MedGen C5681536, MONDO:0009970, OMIM 267430.
Renal tubular dysgenesis. Also called: Renotubular dysgenesis. Identifiers: Orphanet 3033, MedGen C0266313, MONDO:0017609, HP:0008660.

Allele frequency attached by ClinVar (database versions not stated): TOPMed 0.00003; gnomAD exomes 0.00005 and 0.00010; ExAC 0.00006; gnomAD 0.00009; ESP Exome Variant Server 0.00015.
gnomAD v4.1: 90 of 1,613,748 alleles (0.0056%); highest among the groups gnomAD compares: Admixed American, 0.012%; no homozygotes.

Submissions (3):

Fulgent Genetics
Classification: Uncertain significance for Essential hypertension, genetic; Renal tubular dysgenesis of genetic origin. Last evaluated: 2021-12-10. Review status: criteria provided, single submitter. Criteria: ACMG Guidelines, 2015. Collection method: clinical testing. Allele origin: unknown.

Illumina Laboratory Services, Illumina
Classification: Uncertain significance for Renal tubular dysgenesis of genetic origin. Last evaluated: 2018-01-13. Review status: criteria provided, single submitter. Criteria: ICSL Variant Classification Criteria 13 December 2019. Collection method: clinical testing. Allele origin: germline.

Department of Pathology and Laboratory Medicine, Sinai Health System
Classification: Uncertain significance. Review status: no assertion criteria provided. Collection method: clinical testing. Allele origin: unknown. Affected: yes. Study: The Canadian Open Genetics Repository (COGR). Not counted in ClinVar's aggregate classification.
Comment: The AGTR1 p.Pro233Thr variant was not identified in the literature nor was it identified in ClinVar, Cosmic, MutDB or LOVD 3.0. The variant was identified in dbSNP (ID: rs151206107) and in control databases in 26 of 281614 chromosomes at a frequency of 0.000092 (Genome Aggregation Database Feb 27, 2017). The variant was observed in the following populations: European (Finnish) in 14 of 25030 chromosomes (freq: 0.000559), Latino in 5 of 35402 chromosomes (freq: 0.000141), Other in 1 of 7166 chromosomes (freq: 0.00014), African in 2 of 24486 chromosomes (freq: 0.000082) and European (non-Finnish) in 4 of 128636 chromosomes (freq: 0.000031), but was not observed in the Ashkenazi Jewish, East Asian and South Asian populations. The c.697C>A variant occurs outside of the splicing consensus sequence and in silico or computational prediction software programs (SpliceSiteFinder, MaxEntScan, NNSPLICE, GeneSplicer) do not predict a difference in splicing. The p.Pro233 residue is not conserved in mammals and computational analyses (PolyPhen-2, SIFT, AlignGVGD, BLOSUM, MutationTaster) provide inconsistent predictions regarding the impact to the protein; this information is not very predictive of pathogenicity. In summary, based on the above information the clinical significance of this variant cannot be determined with certainty at this time. This variant is classified as a variant of uncertain significance.